The following is an entry in ClinVar:

NM_006231.4(POLE):c.3146A>G (p.Gln1049Arg)

Gene: POLE (DNA polymerase epsilon, catalytic subunit; minus strand). Cytogenetic location: 12q24.33.
Variant type: single nucleotide variant.
Coding change: c.3146A>G on transcript NM_006231.4 (MANE Select); coding-DNA position 3146, A replaced by G.
Protein change: p.Gln1049Arg; replaces glutamine 1049 with arginine.
Molecular consequence: missense variant.
Genome position (GRCh38, 1-based): chr12:132,659,424, T>C on the plus strand (A>G on the coding strand, the complement: POLE is on the minus strand). VCF-style: chr12-132659424-T-C. GRCh37 (hg19) VCF-style: chr12-133236010-T-C.
Other names: short protein forms Q1049R.
Identifiers: ClinVar variation 1728127 (VCV001728127.5), dbSNP rs2138677179, ClinGen allele CA387390965.
Genomic context (GRCh38, chr12:132,659,424, plus strand): 5'-ACCATCTGGTCTCCCAGGAACTCGGCCAGGCGCTTTGCTGTGCTGATGGACGTAGACTTC[T>C]GCTCCCCGTAATCTTCCAGCTTCCGAGACATGGAACGGTTCTCAGAGATGAGCTCGAATA-3'
Protein context (NP_006222.2, residues 1039-1059): MSRKLEDYGE[Gln1049Arg]KSTSISTAKR

ClinVar aggregate classification (germline): Uncertain significance. Review status: criteria provided, multiple submitters, no conflicts (2 of 4 stars). 2 submissions from 2 submitters: Uncertain significance (2). Last evaluated 2024-10-15.

Conditions:
Hereditary cancer-predisposing syndrome. Also called: Tumor predisposition; Neoplastic Syndromes, Hereditary; Hereditary Cancer Syndrome; Hereditary neoplastic syndrome. Identifiers: Orphanet 140162, MedGen C0027672, MeSH D009386, MONDO:0015356.

Submissions (2):

Labcorp Genetics (formerly Invitae), Labcorp
Classification: Uncertain significance. Last evaluated: 2024-10-15. Review status: criteria provided, single submitter. Criteria: Invitae Variant Classification Sherloc (09022015). Collection method: clinical testing. Allele origin: germline.
Comment: This sequence change replaces glutamine, which is neutral and polar, with arginine, which is basic and polar, at codon 1049 of the POLE protein (p.Gln1049Arg). This variant is not present in population databases (gnomAD no frequency). This variant has not been reported in the literature in individuals affected with POLE-related conditions. ClinVar contains an entry for this variant (Variation ID: 1728127). Invitae Evidence Modeling of protein sequence and biophysical properties (such as structural, functional, and spatial information, amino acid conservation, physicochemical variation, residue mobility, and thermodynamic stability) indicates that this missense variant is not expected to disrupt POLE protein function with a negative predictive value of 80%. In summary, the available evidence is currently insufficient to determine the role of this variant in disease. Therefore, it has been classified as a Variant of Uncertain Significance.

Ambry Genetics
Classification: Uncertain significance for Hereditary cancer-predisposing syndrome. Last evaluated: 2021-11-03. Review status: criteria provided, single submitter. Criteria: Ambry Variant Classification Scheme 2023. Collection method: clinical testing. Allele origin: germline.
Comment: The p.Q1049R variant (also known as c.3146A>G), located in coding exon 26 of the POLE gene, results from an A to G substitution at nucleotide position 3146. The glutamine at codon 1049 is replaced by arginine, an amino acid with highly similar properties. This amino acid position is conserved. In addition, the in silico prediction for this alteration is inconclusive. Since supporting evidence is limited at this time, the clinical significance of this alteration remains unclear.